The following is an entry in ClinVar:

NM_002432.3(MNDA):c.392C>T (p.Pro131Leu)

Gene: MNDA (myeloid cell nuclear differentiation antigen; plus strand). Cytogenetic location: 1q23.1.
Variant type: single nucleotide variant.
Coding change: c.392C>T on transcript NM_002432.3 (MANE Select); coding-DNA position 392, C replaced by T.
Protein change: p.Pro131Leu; replaces proline 131 with leucine.
Molecular consequence: missense variant.
Genome position (GRCh38, 1-based): chr1:158,843,405, C>T. VCF-style: chr1-158843405-C-T. GRCh37 (hg19) VCF-style: chr1-158813195-C-T.
Other names: short protein forms P131L.
Identifiers: ClinVar variation 1736253 (VCV001736253.2), dbSNP rs2526079441, ClinGen allele CA343038879.

ClinVar aggregate classification (germline): Uncertain significance (1 of 4 stars; one submission).

Allele frequency attached by ClinVar (database versions not stated): gnomAD exomes below 0.00001.
gnomAD v4.1: 1 of 1,608,104 alleles (0.000062%); highest among the groups gnomAD compares: African/African-American, 0.0013%; no homozygotes.

Submission:

Ambry Genetics
Classification: Uncertain significance. Last evaluated: 2022-05-13. Review status: criteria provided, single submitter. Criteria: Ambry Variant Classification Scheme 2023. Collection method: clinical testing. Allele origin: germline.
Comment: The p.P131L variant (also known as c.392C>T), located in coding exon 2 of the MNDA gene, results from a C to T substitution at nucleotide position 392. The proline at codon 131 is replaced by leucine, an amino acid with similar properties. This amino acid position is conserved. In addition, this alteration is predicted to be tolerated by in silico analysis. Since supporting evidence is limited at this time, the clinical significance of this alteration remains unclear.